The following is an entry in ClinVar:

ClinVar aggregate classification (germline): Likely benign (0 of 4 stars; one submission).

Conditions:
PAPPA2-related disorder. Also called: PAPPA2-related condition.

Allele frequency attached by ClinVar (database versions not stated): ESP Exome Variant Server 0.00172; 1000 Genomes Project 0.00260; 1000 Genomes Project 30x 0.00265.
gnomAD v4.1: 1,702 of 1,614,170 alleles (0.11%); highest among the groups gnomAD compares: Middle Eastern, 1.9%; 11 homozygotes.

Submission:

PreventionGenetics, part of Exact Sciences
Classification: Likely benign for PAPPA2-related condition. Last evaluated: 2022-02-17. Review status: no assertion criteria provided. Collection method: clinical testing. Allele origin: germline.
Comment: This variant is classified as likely benign based on ACMG/AMP sequence variant interpretation guidelines (Richards et al. 2015 PMID: 25741868, with internal and published modifications).

NM_020318.3(PAPPA2):c.2375C>T (p.Thr792Ile)

Gene: PAPPA2 (pappalysin 2; plus strand). Cytogenetic location: 1q25.2.
Variant type: single nucleotide variant.
Coding change: c.2375C>T on transcript NM_020318.3 (MANE Select); coding-DNA position 2375, C replaced by T.
Protein change: p.Thr792Ile; replaces threonine 792 with isoleucine.
Molecular consequence: missense variant.
Genome position (GRCh38, 1-based): chr1:176,690,374, C>T. VCF-style: chr1-176690374-C-T. GRCh37 (hg19) VCF-style: chr1-176659510-C-T.
Other names: c.2375C>T, p.Thr792Ile (NM_021936.3); short protein forms T792I.
Identifiers: ClinVar variation 3037873 (VCV003037873.2), dbSNP rs148196271, ClinGen allele CA1257494.
Genomic context (GRCh38, chr1:176,690,374, plus strand): 5'-CCGACACCGCCCCCACTCCCAAGAGTGAGCTGTGCCGGGAACCAGAGCCCACTAGTGACA[C>T]CTGTGGCTTCACTCGCTTCCCAGGGGCTCCGTTCACCAACTACATGAGCTACACGGGTAT-3'
Protein context (NP_064714.2, residues 782-802): LCREPEPTSD[Thr792Ile]CGFTRFPGAP